The following is an entry in ClinVar:

NM_001414.4(EIF2B1):c.770_771del (p.Leu257fs)

Genes: EIF2B1 (eukaryotic translation initiation factor 2B subunit alpha; minus strand), LOC126861664 (CDK7 strongly-dependent group 2 enhancer GRCh37_chr12:124105924-124107123; plus strand). Cytogenetic location: 12q24.31.
Variant type: Microsatellite.
Coding change: c.770_771del on transcript NM_001414.4 (MANE Select); coding-DNA positions 770 to 771, 2 bases deleted (TC; older notation c.770_771delTC).
Protein change: p.Leu257fs; shifts the reading frame from leucine 257.
Molecular consequence: frameshift variant.
Genome position (GRCh38, 1-based): chr12:123,621,903-123,621,904, GA deleted on the plus strand (TC on the coding strand, the reverse complement: EIF2B1 is on the minus strand); deleting any 2 consecutive bases within chr12:123,621,903-123,621,907 gives the same sequence; the c. name uses the placement nearest the transcript's 3' end. VCF-style (leftmost placement, unchanged base first): chr12-123621902-TGA-T. GRCh37 (hg19) VCF-style: chr12-124106449-TGA-T.
Other names: c.770_771delTC (NM_001414.4); short protein forms L257fs.
Identifiers: ClinVar variation 1683289 (VCV001683289.6), dbSNP rs746435041, ClinGen allele CA6859951.

ClinVar aggregate classification (germline): Pathogenic. Review status: criteria provided, multiple submitters, no conflicts (2 of 4 stars). 2 submissions from 2 submitters: Pathogenic (2). Last evaluated 2025-04-15.

Conditions:
Vanishing white matter disease. Also called: Childhood ataxia with diffuse central nervous system hypomyelination; Leukoencephalopathy with vanishing white matter; CACH/VWM syndrome; Cree leukoencehalopathy; CACH syndrome. Identifiers: Orphanet 135, Orphanet 99853, MedGen C1858991, MONDO:0800448.

Submissions (2):

Women's Health and Genetics/Laboratory Corporation of America, LabCorp
Classification: Pathogenic for Vanishing white matter disease. Last evaluated: 2025-04-15. Review status: criteria provided, single submitter. Criteria: LabCorp Variant Classification Summary - May 2015. Collection method: clinical testing. Allele origin: germline.
Comment: Variant summary: EIF2B1 c.770_771delTC (p.Leu257GlnfsX42) located in the last exon results in a premature termination codon, predicted to cause a truncation of the encoded protein due to an escape from nonsense mediated decay (NMD). The variant allele was found at a frequency of 1.6e-05 in 251410 control chromosomes. To our knowledge, no occurrence of c.770_771delTC in individuals affected with Leukoencephalopathy With Vanishing White Matter and no experimental evidence demonstrating its impact on protein function have been reported. However, at-least one downstream pathogenic variant encompassing this variant, c.824A>G (p.Tyr275Cys) supports a critical relevance of this domain to EIF2B1 protein function. ClinVar contains an entry for this variant (Variation ID: 1683289). Based on the evidence outlined above, the variant was classified as pathogenic.

Labcorp Genetics (formerly Invitae), Labcorp
Classification: Pathogenic. Last evaluated: 2023-07-16. Review status: criteria provided, single submitter. Criteria: Invitae Variant Classification Sherloc (09022015). Collection method: clinical testing. Allele origin: germline.
Comment: This variant disrupts a region of the EIF2B1 protein in which other variant(s) (p.Try275Cys) have been determined to be pathogenic (PMID: 18263758, 32865661, 33334879). This suggests that this is a clinically significant region of the protein, and that variants that disrupt it are likely to be disease-causing. ClinVar contains an entry for this variant (Variation ID: 1683289). This variant has not been reported in the literature in individuals affected with EIF2B1-related conditions. This variant is present in population databases (rs746435041, gnomAD 0.004%). This sequence change creates a premature translational stop signal (p.Leu257Glnfs*42) in the EIF2B1 gene. While this is not anticipated to result in nonsense mediated decay, it is expected to disrupt the last 49 amino acid(s) of the EIF2B1 protein. For these reasons, this variant has been classified as Pathogenic.

Literature cited by the submitters: PubMed 18263758 (cited by Labcorp Genetics (formerly Invitae), Labcorp); PubMed 32865661 (cited by Labcorp Genetics (formerly Invitae), Labcorp); PubMed 33334879 (cited by Labcorp Genetics (formerly Invitae), Labcorp).